The following is an entry in ClinVar:

NM_004568.6(SERPINB6):c.148G>A (p.Ala50Thr)

Gene: SERPINB6 (serpin family B member 6; minus strand). Cytogenetic location: 6p25.2.
Variant type: single nucleotide variant.
Coding change: c.148G>A on transcript NM_004568.6 (MANE Select); coding-DNA position 148, G replaced by A.
Protein change: p.Ala50Thr; replaces alanine 50 with threonine.
Molecular consequence: missense variant. On other transcripts: non-coding transcript variant (1), intron variant (1).
Genome position (GRCh38, 1-based): chr6:2,959,185, C>T on the plus strand (G>A on the coding strand, the complement: SERPINB6 is on the minus strand). VCF-style: chr6-2959185-C-T. GRCh37 (hg19) VCF-style: chr6-2959419-C-T.
Other names: c.160G>A, p.Ala54Thr (NM_001195291.3, NM_001374515.1); c.190G>A, p.Ala64Thr (NM_001271822.2); c.205G>A, p.Ala69Thr (NM_001271823.2); c.148G>A, p.Ala50Thr (NM_001271824.2, NM_001271825.2, NM_001297699.2 and 2 more transcripts); c.34-3515G>A (NM_001374517.1); short protein forms A50T, A54T, A64T, A69T.
Identifiers: ClinVar variation 4088151 (VCV004088151.2).

ClinVar aggregate classification (germline): Uncertain significance. Review status: criteria provided, multiple submitters, no conflicts (2 of 4 stars). 2 submissions from 2 submitters: Uncertain significance (2). Last evaluated 2025-04-25.

Conditions:
SERPINB6-related disorder. Also called: SERPINB6-related condition.

gnomAD v4.1: 55 of 1,614,198 alleles (0.0034%); highest among the groups gnomAD compares: African/African-American, 0.035%; no homozygotes.

Submissions (2):

PreventionGenetics, part of Exact Sciences
Classification: Uncertain significance for SERPINB6-related condition. Last evaluated: 2025-04-25. Review status: criteria provided, single submitter. Criteria: ACMG Guidelines, 2015. Collection method: clinical testing. Allele origin: germline.
Comment: The SERPINB6 c.148G>A variant is predicted to result in the amino acid substitution p.Ala50Thr. To our knowledge, this variant has not been reported in the literature. This variant is reported in 0.040% of alleles in individuals of African descent in gnomAD. At this time, the clinical significance of this variant is uncertain due to the absence of conclusive functional and genetic evidence.

GeneDx
Classification: Uncertain significance. Last evaluated: 2025-03-23. Review status: criteria provided, single submitter. Criteria: GeneDx Variant Classification Process June 2021. Collection method: clinical testing. Allele origin: germline. Affected: yes.
Comment: In silico analysis supports that this missense variant has a deleterious effect on protein structure/function; Has not been previously published as pathogenic or benign to our knowledge